The following is an entry in ClinVar:

NM_000465.4(BARD1):c.899C>T (p.Pro300Leu)

Gene: BARD1 (BRCA1 associated RING domain 1; minus strand). Cytogenetic location: 2q35.
Variant type: single nucleotide variant.
Coding change: c.899C>T on transcript NM_000465.4 (MANE Select); coding-DNA position 899, C replaced by T.
Protein change: p.Pro300Leu; replaces proline 300 with leucine.
Molecular consequence: missense variant. On other transcripts: non-coding transcript variant (2), intron variant (3).
Genome position (GRCh38, 1-based): chr2:214,780,975, G>A on the plus strand (C>T on the coding strand, the complement: BARD1 is on the minus strand). VCF-style: chr2-214780975-G-A. GRCh37 (hg19) VCF-style: chr2-215645699-G-A.
Other names: c.842C>T, p.Pro281Leu (NM_001282543.2); c.159-28420C>T (NM_001282548.2); c.215+16086C>T (NM_001282545.2); c.364+11322C>T (NM_001282549.2); short protein forms P300L, P281L.
Identifiers: ClinVar variation 479119 (VCV000479119.19), dbSNP rs961232989, ClinGen allele CA64788438.

ClinVar aggregate classification (germline): Uncertain significance. Review status: criteria provided, multiple submitters, no conflicts (2 of 4 stars). 4 submissions from 4 submitters: Uncertain significance (4). Last evaluated 2026-01-18.

Conditions:
Familial cancer of breast. Also called: BREAST CANCER, FAMILIAL; hereditary breast carcinoma; Hereditary breast cancer. Identifiers: Orphanet 227535, MedGen C0346153, MONDO:0016419, OMIM 114480. Disease mechanism: loss of function.
Hereditary cancer-predisposing syndrome. Also called: Neoplastic Syndromes, Hereditary; Hereditary Cancer Syndrome; Hereditary neoplastic syndrome; Tumor predisposition. Identifiers: Orphanet 140162, MedGen C0027672, MeSH D009386, MONDO:0015356.

Allele frequency attached by ClinVar (database versions not stated): TOPMed below 0.00001; gnomAD exomes 0.00001.
gnomAD v4.1: 10 of 1,613,562 alleles (0.00062%); highest among the groups gnomAD compares: Non-Finnish European, 0.00068%; no homozygotes.

Submissions (4):

Labcorp Genetics (formerly Invitae), Labcorp
Classification: Uncertain significance for Familial cancer of breast. Last evaluated: 2026-01-18. Review status: criteria provided, single submitter. Criteria: Invitae Variant Classification Sherloc (09022015). Collection method: clinical testing. Allele origin: germline.
Comment: This sequence change replaces proline, which is neutral and non-polar, with leucine, which is neutral and non-polar, at codon 300 of the BARD1 protein (p.Pro300Leu). This variant is present in population databases (no rsID available, gnomAD 0.003%). This variant has not been reported in the literature in individuals affected with BARD1-related conditions. ClinVar contains an entry for this variant (Variation ID: 479119). An algorithm developed to predict the effect of missense changes on protein structure and function outputs the following: PolyPhen-2: "Benign". The leucine amino acid residue is found in multiple mammalian species, which suggests that this missense change does not adversely affect protein function. In summary, the available evidence is currently insufficient to determine the role of this variant in disease. Therefore, it has been classified as a Variant of Uncertain Significance.

Ambry Genetics
Classification: Uncertain significance for Hereditary cancer-predisposing syndrome. Last evaluated: 2024-07-30. Review status: criteria provided, single submitter. Criteria: Ambry Variant Classification Scheme 2023. Collection method: clinical testing. Allele origin: germline.
Comment: The p.P300L variant (also known as c.899C>T), located in coding exon 4 of the BARD1 gene, results from a C to T substitution at nucleotide position 899. The proline at codon 300 is replaced by leucine, an amino acid with similar properties. This amino acid position is not well conserved in available vertebrate species. In addition, this alteration is predicted to be tolerated by in silico analysis. Since supporting evidence is limited at this time, the clinical significance of this alteration remains unclear.

Department of Pathology and Laboratory Medicine, Sinai Health System
Classification: Uncertain significance for Familial cancer of breast. Last evaluated: 2023-12-18. Review status: criteria provided, single submitter. Criteria: ACMG Guidelines, 2015. Collection method: clinical testing. Allele origin: germline. Affected: yes.

Color Diagnostics, LLC DBA Color Health
Classification: Uncertain significance for Hereditary cancer-predisposing syndrome. Last evaluated: 2022-10-10. Review status: criteria provided, single submitter. Criteria: ACMG Guidelines, 2015. Collection method: clinical testing. Allele origin: germline.
Comment: This missense variant replaces proline with leucine at codon 300 of the BARD1 protein. Computational prediction suggests that this variant may not impact protein structure and function (internally defined REVEL score threshold <= 0.5, PMID: 27666373). To our knowledge, functional studies have not been reported for this variant. This variant has not been reported in individuals affected with hereditary cancer in the literature. This variant has been identified in 3/250396 chromosomes in the general population by the Genome Aggregation Database (gnomAD). The available evidence is insufficient to determine the role of this variant in disease conclusively. Therefore, this variant is classified as a Variant of Uncertain Significance.

Literature cited by the submitters: PubMed 25318351 (cited by Ambry Genetics).